The following is an entry in ClinVar:

NM_000090.4(COL3A1):c.2355C>G (p.Pro785=)

Genes: COL3A1 (collagen type III alpha 1 chain; plus strand), LOC126806446 (P300/CBP strongly-dependent group 1 enhancer GRCh37_chr2:189866210-189867409; plus strand). Cytogenetic location: 2q32.2.
Variant type: single nucleotide variant.
Coding change: c.2355C>G on transcript NM_000090.4 (MANE Select); coding-DNA position 2355, C replaced by G.
Protein change: p.Pro785=; no amino-acid change (proline 785 retained).
Molecular consequence: synonymous variant.
Genome position (GRCh38, 1-based): chr2:189,001,553, C>G. VCF-style: chr2-189001553-C-G. GRCh37 (hg19) VCF-style: chr2-189866279-C-G.
Identifiers: ClinVar variation 519600 (VCV000519600.25), dbSNP rs148901664, ClinGen allele CA075241.

ClinVar aggregate classification (germline): Benign/Likely benign. Review status: criteria provided, multiple submitters, no conflicts (2 of 4 stars). 7 submissions from 7 submitters: Benign (3); Likely benign (3). 1 of the submissions does not count toward it. Last evaluated 2026-01-11.

Conditions:
COL3A1-related disorder. Also called: COL3A1-related condition.
Familial thoracic aortic aneurysm and aortic dissection (TAAD). Also called: Thoracic aortic aneurysms and dissections. Identifiers: Orphanet 91387, MedGen C4707243, MONDO:0019625.
Ehlers-Danlos syndrome, type 4 (EDSVASC). Also called: Ehlers-Danlos syndrome vascular type; Ehlers Danlos syndrome, ecchymotic type; Ehlers Danlos syndrome, arterial type; Ehlers Danlos syndrome, Sack-Barabas type; Ehlers-Danlos Syndrome Type IV. Identifiers: Orphanet 286, MedGen C0268338, MONDO:0017314, OMIM 130050.

Allele frequency attached by ClinVar (database versions not stated): 1000 Genomes Project 30x 0.00047; 1000 Genomes Project 0.00060.
gnomAD v4.1: 205 of 1,613,990 alleles (0.013%); highest among the groups gnomAD compares: South Asian, 0.21%; 1 homozygote.

Submissions (7):

Labcorp Genetics (formerly Invitae), Labcorp
Classification: Benign for Ehlers-Danlos syndrome, type 4. Last evaluated: 2026-01-11. Review status: criteria provided, single submitter. Criteria: Invitae Variant Classification Sherloc (09022015). Collection method: clinical testing. Allele origin: germline.

All of Us Research Program, National Institutes of Health
Classification: Benign for Ehlers-Danlos syndrome, type 4. Last evaluated: 2023-09-17. Review status: criteria provided, single submitter. Criteria: ACMG Guidelines, 2015. Collection method: clinical testing. Allele origin: germline. Inheritance: Autosomal dominant inheritance. Observed: 7 variant alleles, 7 heterozygotes.
Comment: This study involves interpretation of variants in research participants for the purpose of population health screening. Participant phenotype was not available at the time of variant classification. Additional details can be found in publication PMID: 35346344, PMCID: PMC8962531

Blueprint Genetics
Classification: Likely benign. Last evaluated: 2023-05-03. Review status: criteria provided, single submitter. Criteria: ACMG Guidelines, 2015. Collection method: clinical testing. Allele origin: germline.

GeneDx
Classification: Likely benign. Last evaluated: 2021-06-08. Review status: criteria provided, single submitter. Criteria: GeneDx Variant Classification Process June 2021. Collection method: clinical testing. Allele origin: germline. Affected: yes.

Color Diagnostics, LLC DBA Color Health
Classification: Benign for Familial thoracic aortic aneurysm and aortic dissection. Last evaluated: 2018-10-16. Review status: criteria provided, single submitter. Criteria: ACMG Guidelines, 2015. Collection method: clinical testing. Allele origin: germline.

Ambry Genetics
Classification: Likely benign for Familial thoracic aortic aneurysm and aortic dissection. Last evaluated: 2016-04-18. Review status: criteria provided, single submitter. Criteria: Ambry Variant Classification Scheme 2023. Collection method: clinical testing. Allele origin: germline.

PreventionGenetics, part of Exact Sciences
Classification: Likely benign for COL3A1-related condition. Last evaluated: 2020-03-16. Review status: no assertion criteria provided. Collection method: clinical testing. Allele origin: germline. Not counted in ClinVar's aggregate classification.
Comment: This variant is classified as likely benign based on ACMG/AMP sequence variant interpretation guidelines (Richards et al. 2015 PMID: 25741868, with internal and published modifications).